The following is an entry in ClinVar:

ClinVar aggregate classification (germline): Uncertain significance. Review status: criteria provided, multiple submitters, no conflicts (2 of 4 stars). 3 submissions from 3 submitters: Uncertain significance (3). Last evaluated 2023-10-04.

Conditions:
Myopathy, proximal, and ophthalmoplegia (CMYO6). Also called: INCLUSION BODY MYOPATHY 3, AUTOSOMAL DOMINANT; CONGENITAL MYOPATHY 6 WITH OPHTHALMOPLEGIA; MYOPATHY WITH CONGENITAL JOINT CONTRACTURES, OPHTHALMOPLEGIA, AND RIMMED VACUOLES. Identifiers: Orphanet 363677, Orphanet 79091, MedGen C1854106, MONDO:0011577, OMIM 605637.

Allele frequency attached by ClinVar (database versions not stated): gnomAD 0.00001; gnomAD exomes 0.00001; TOPMed 0.00001.
gnomAD v4.1: 22 of 1,614,034 alleles (0.0014%); highest among the groups gnomAD compares: Admixed American, 0.0033%; no homozygotes.

Submissions (3):

Revvity Omics, Revvity
Classification: Uncertain significance for Myopathy, proximal, and ophthalmoplegia. Last evaluated: 2023-10-04. Review status: criteria provided, single submitter. Criteria: ACMG Guidelines, 2015. Collection method: clinical testing. Allele origin: germline.

Labcorp Genetics (formerly Invitae), Labcorp
Classification: Uncertain significance for Myopathy, proximal, and ophthalmoplegia. Last evaluated: 2022-01-04. Review status: criteria provided, single submitter. Criteria: Invitae Variant Classification Sherloc (09022015). Collection method: clinical testing. Allele origin: germline.
Comment: This variant has not been reported in the literature in individuals affected with MYH2-related conditions. In summary, the available evidence is currently insufficient to determine the role of this variant in disease. Therefore, it has been classified as a Variant of Uncertain Significance. Algorithms developed to predict the effect of missense changes on protein structure and function (SIFT, PolyPhen-2, Align-GVGD) all suggest that this variant is likely to be tolerated. ClinVar contains an entry for this variant (Variation ID: 1013381). This variant is present in population databases (no rsID available, gnomAD 0.006%). This sequence change replaces glutamic acid, which is acidic and polar, with lysine, which is basic and polar, at codon 693 of the MYH2 protein (p.Glu693Lys).

CeGaT Center for Human Genetics Tuebingen
Classification: Uncertain significance. Last evaluated: 2020-09-01. Review status: criteria provided, single submitter. Criteria: CeGaT Center For Human Genetics Tuebingen Variant Classification Criteria Version 2. Collection method: clinical testing. Allele origin: germline. Affected: yes. Observed: 1 variant allele.

NM_017534.6(MYH2):c.2077G>A (p.Glu693Lys)

Genes: MYH2 (myosin heavy chain 2; minus strand), MYHAS (myosin heavy chain gene cluster antisense RNA; plus strand). Cytogenetic location: 17p13.1.
Variant type: single nucleotide variant.
Coding change: c.2077G>A on transcript NM_017534.6 (MANE Select); coding-DNA position 2077, G replaced by A.
Protein change: p.Glu693Lys; replaces glutamic acid 693 with lysine.
Molecular consequence: missense variant.
Genome position (GRCh38, 1-based): chr17:10,535,176, C>T on the plus strand (G>A on the coding strand, the complement: MYH2 is on the minus strand). VCF-style: chr17-10535176-C-T. GRCh37 (hg19) VCF-style: chr17-10438493-C-T.
Other names: c.2077G>A, p.Glu693Lys (NM_001100112.2); short protein forms E693K.
Identifiers: ClinVar variation 1013381 (VCV001013381.45), dbSNP rs1426839625, ClinGen allele CA398150447.